The following is an entry in ClinVar:

NM_002474.3(MYH11):c.5527T>A (p.Ser1843Thr)

Genes: NDE1 (nudE neurodevelopment protein 1; plus strand), MYH11 (myosin heavy chain 11; minus strand). Cytogenetic location: 16p13.11.
Variant type: single nucleotide variant.
Coding change: c.5527T>A on transcript NM_002474.3 (MANE Select); coding-DNA position 5527, T replaced by A.
Protein change: p.Ser1843Thr; replaces serine 1843 with threonine.
Molecular consequence: missense variant. On other transcripts: intron variant (2).
Genome position (GRCh38, 1-based): chr16:15,715,250, A>T on the plus strand (T>A on the coding strand, the complement: MYH11 is on the minus strand). VCF-style: chr16-15715250-A-T. GRCh37 (hg19) VCF-style: chr16-15809107-A-T.
Other names: c.5548T>A, p.Ser1850Thr (NM_001040113.2, NM_001040114.2); c.5527T>A, p.Ser1843Thr (NM_022844.3); c.948-8941A>T (NM_001143979.2, NM_017668.3); short protein forms S1850T, S1843T.
Identifiers: ClinVar variation 2089350 (VCV002089350.4), dbSNP rs2510049615, ClinGen allele CA394847527.

ClinVar aggregate classification (germline): Uncertain significance (1 of 4 stars; one submission).

Conditions:
Aortic aneurysm, familial thoracic 4 (AAT4). Also called: AORTIC ANEURYSM/AORTIC DISSECTION AND PATENT DUCTUS ARTERIOSUS. Identifiers: MedGen C1851504, MONDO:0007568, OMIM 132900.

Submission:

Labcorp Genetics (formerly Invitae), Labcorp
Classification: Uncertain significance for Aortic aneurysm, familial thoracic 4. Last evaluated: 2022-01-24. Review status: criteria provided, single submitter. Criteria: Invitae Variant Classification Sherloc (09022015). Collection method: clinical testing. Allele origin: germline.
Comment: In summary, the available evidence is currently insufficient to determine the role of this variant in disease. Therefore, it has been classified as a Variant of Uncertain Significance. Algorithms developed to predict the effect of missense changes on protein structure and function output the following: SIFT: "Tolerated"; PolyPhen-2: "Benign"; Align-GVGD: "Class C0". The threonine amino acid residue is found in multiple mammalian species, which suggests that this missense change does not adversely affect protein function. This variant has not been reported in the literature in individuals affected with MYH11-related conditions. This variant is not present in population databases (gnomAD no frequency). This sequence change replaces serine, which is neutral and polar, with threonine, which is neutral and polar, at codon 1850 of the MYH11 protein (p.Ser1850Thr).